The following is an entry in ClinVar:

ClinVar aggregate classification (germline): Benign (1 of 4 stars; one submission).

Allele frequency attached by ClinVar (database versions not stated): TOPMed 0.19607; gnomAD 0.19822 and 0.19873; 1000 Genomes Project 30x 0.23766; 1000 Genomes Project 0.23782.

Submission:

GeneDx
Classification: Benign. Last evaluated: 2018-06-14. Review status: criteria provided, single submitter. Criteria: GeneDx Variant Classification (06012015). Collection method: clinical testing. Allele origin: germline. Affected: yes.
Comment: This variant is considered likely benign or benign based on one or more of the following criteria: it is a conservative change, it occurs at a poorly conserved position in the protein, it is predicted to be benign by multiple in silico algorithms, and/or has population frequency not consistent with disease.

NM_182961.4(SYNE1):c.6051-156dup

Gene: SYNE1 (spectrin repeat containing nuclear envelope protein 1; minus strand). Cytogenetic location: 6q25.2.
Variant type: Duplication.
Coding change: c.6051-156dup on transcript NM_182961.4 (MANE Select); 156 bases into the intron before coding-DNA position 6051, one base duplicated (C; older notation c.6051-156dupC).
Molecular consequence: intron variant.
Genome position (GRCh38, 1-based): chr6:152,413,687, G duplicated on the plus strand (C on the coding strand, the reverse complement: SYNE1 is on the minus strand). VCF-style (leftmost placement, unchanged base first): chr6-152413686-A-AG. GRCh37 (hg19) VCF-style: chr6-152734821-A-AG.
Other names: c.6072-156dup (NM_033071.5); c.6072-156dupC (NM_033071.3).
Identifiers: ClinVar variation 670644 (VCV000670644.1), dbSNP rs11453636, ClinGen allele CA150206177.